The following is an entry in ClinVar:

ClinVar aggregate classification (germline): Uncertain significance (1 of 4 stars; one submission).

Submission:

Ambry Genetics
Classification: Uncertain significance. Last evaluated: 2023-09-28. Review status: criteria provided, single submitter. Criteria: Ambry Variant Classification Scheme 2023. Collection method: clinical testing. Allele origin: germline.
Comment: The p.T408N variant (also known as c.1223C>A), located in coding exon 8 of the POLQ gene, results from a C to A substitution at nucleotide position 1223. The threonine at codon 408 is replaced by asparagine, an amino acid with similar properties. This amino acid position is conserved. In addition, this alteration is predicted to be tolerated by in silico analysis. Since supporting evidence is limited at this time, the clinical significance of this alteration remains unclear.

NM_199420.4(POLQ):c.1223C>A (p.Thr408Asn)

Gene: POLQ (DNA polymerase theta; minus strand). Cytogenetic location: 3q13.33.
Variant type: single nucleotide variant.
Coding change: c.1223C>A on transcript NM_199420.4 (MANE Select); coding-DNA position 1223, C replaced by A.
Protein change: p.Thr408Asn; replaces threonine 408 with asparagine.
Molecular consequence: missense variant.
Genome position (GRCh38, 1-based): chr3:121,522,035, G>T on the plus strand (C>A on the coding strand, the complement: POLQ is on the minus strand). VCF-style: chr3-121522035-G-T. GRCh37 (hg19) VCF-style: chr3-121240882-G-T.
Other names: short protein forms T408N.
Identifiers: ClinVar variation 3229821 (VCV003229821.1), dbSNP rs2546811560, ClinGen allele CA354121382.
Genomic context (GRCh38, chr3:121,522,035, plus strand): 5'-TCTTAATAACATTATAAATATGAAATACCTGCATGATGAAATGCTACTCCCCATGGTACA[G>T]TTTTCTGTAATACAGAGTCCAGTCCTGAAGGCAAACGTCTTAACTGATCCATCACTTCCA-3'
Protein context (NP_955452.3, residues 398-418): PSGLDSVLQK[Thr408Asn]VPWGVAFHHA